The following is an entry in ClinVar:

NM_052859.4(RFT1):c.368T>C (p.Val123Ala)

Gene: RFT1 (RFT1 glycolipid translocator homolog; minus strand). Cytogenetic location: 3p21.1.
Variant type: single nucleotide variant.
Coding change: c.368T>C on transcript NM_052859.4 (MANE Select); coding-DNA position 368, T replaced by C.
Protein change: p.Val123Ala; replaces valine 123 with alanine.
Molecular consequence: missense variant.
Genome position (GRCh38, 1-based): chr3:53,122,462, A>G on the plus strand (T>C on the coding strand, the complement: RFT1 is on the minus strand). VCF-style: chr3-53122462-A-G. GRCh37 (hg19) VCF-style: chr3-53156478-A-G.
Other names: short protein forms V123A.
Identifiers: ClinVar variation 2811594 (VCV002811594.3), dbSNP rs2471006829, ClinGen allele CA353221946.

ClinVar aggregate classification (germline): Uncertain significance (1 of 4 stars; one submission).

Conditions:
RFT1-congenital disorder of glycosylation (CDG1N). Also called: CDG In; RFT1-CDG; Congenital disorder of glycosylation type In. Identifiers: Orphanet 244310, MedGen C2677590, MONDO:0012783, OMIM 612015.

Allele frequency attached by ClinVar (database versions not stated): gnomAD exomes below 0.00001.
gnomAD v4.1: 1 of 1,614,026 alleles (0.000062%); highest among the groups gnomAD compares: Non-Finnish European, 0.000085%; no homozygotes.

Submission:

Labcorp Genetics (formerly Invitae), Labcorp
Classification: Uncertain significance for RFT1-congenital disorder of glycosylation. Last evaluated: 2024-05-29. Review status: criteria provided, single submitter. Criteria: Invitae Variant Classification Sherloc (09022015). Collection method: clinical testing. Allele origin: germline.
Comment: This sequence change replaces valine, which is neutral and non-polar, with alanine, which is neutral and non-polar, at codon 123 of the RFT1 protein (p.Val123Ala). This variant is not present in population databases (gnomAD no frequency). This variant has not been reported in the literature in individuals affected with RFT1-related conditions. Advanced modeling of protein sequence and biophysical properties (such as structural, functional, and spatial information, amino acid conservation, physicochemical variation, residue mobility, and thermodynamic stability) performed at Invitae indicates that this missense variant is expected to disrupt RFT1 protein function with a positive predictive value of 80%. In summary, the available evidence is currently insufficient to determine the role of this variant in disease. Therefore, it has been classified as a Variant of Uncertain Significance.